The following is an entry in ClinVar:

NM_007208.4(MRPL3):c.611T>G (p.Val204Gly)

Gene: MRPL3 (mitochondrial ribosomal protein L3; minus strand). Cytogenetic location: 3q22.1.
Variant type: single nucleotide variant.
Coding change: c.611T>G on transcript NM_007208.4 (MANE Select); coding-DNA position 611, T replaced by G.
Protein change: p.Val204Gly; replaces valine 204 with glycine.
Molecular consequence: missense variant.
Genome position (GRCh38, 1-based): chr3:131,487,698, A>C on the plus strand (T>G on the coding strand, the complement: MRPL3 is on the minus strand). VCF-style: chr3-131487698-A-C. GRCh37 (hg19) VCF-style: chr3-131206542-A-C.
Other names: short protein forms V204G.
Identifiers: ClinVar variation 1304961 (VCV001304961.5), dbSNP rs115401960, ClinGen allele CA2617047.

ClinVar aggregate classification (germline): Uncertain significance. Review status: criteria provided, multiple submitters, no conflicts (2 of 4 stars). 2 submissions from 2 submitters: Uncertain significance (2). Last evaluated 2024-12-12.

Allele frequency attached by ClinVar (database versions not stated): gnomAD exomes 0.00002 and 0.00004; ExAC 0.00007; gnomAD 0.00015 and 0.00016; 1000 Genomes Project 30x 0.00016; 1000 Genomes Project 0.00020; TOPMed 0.00022; ESP Exome Variant Server 0.00031.
gnomAD v4.1: 53 of 1,611,748 alleles (0.0033%); highest among the groups gnomAD compares: African/African-American, 0.063%; no homozygotes.

Submissions (2):

GeneDx
Classification: Uncertain significance. Last evaluated: 2024-12-12. Review status: criteria provided, single submitter. Criteria: GeneDx Variant Classification Process June 2021. Collection method: clinical testing. Allele origin: germline. Affected: yes.
Comment: In silico analysis supports that this missense variant has a deleterious effect on protein structure/function; Has not been previously published as pathogenic or benign to our knowledge

Ambry Genetics
Classification: Uncertain significance. Last evaluated: 2022-07-08. Review status: criteria provided, single submitter. Criteria: Ambry Variant Classification Scheme 2023. Collection method: clinical testing. Allele origin: germline.